The following is an entry in ClinVar:

ClinVar aggregate classification (germline): Conflicting classifications of pathogenicity. Review status: criteria provided, conflicting classifications (1 of 4 stars). 9 submissions from 9 submitters: Uncertain significance (2); Likely benign (5). 2 of the submissions do not count toward it. Last evaluated 2026-09-01.

Conditions:
FMN2-related disorder. Also called: FMN2-related condition.
Intellectual developmental disorder, autosomal recessive 47. Also called: Intellectual disability, autosomal recessive 47. Identifiers: Orphanet 88616, MedGen C4015444, MONDO:0014524, OMIM 616193.
Neurodevelopmental abnormality. Identifiers: MedGen C4022737, HP:0012759.
Inborn genetic diseases. Identifiers: MedGen C0950123, MeSH D030342.

Allele frequency attached by ClinVar (database versions not stated): 1000 Genomes Project 30x 0.00078; ExAC 0.00185; gnomAD exomes 0.00194 and 0.00276; gnomAD 0.00204 and 0.00221; ESP Exome Variant Server 0.00231; 1000 Genomes Project 0.00080; TOPMed 0.00222.
gnomAD v4.1: 4,321 of 1,610,086 alleles (0.27%); highest among the groups gnomAD compares: Non-Finnish European, 0.33%; 7 homozygotes.

Submissions (9):

CeGaT Center for Human Genetics Tuebingen
Classification: Likely benign. Last evaluated: 2026-09-01. Review status: criteria provided, single submitter. Criteria: CeGaT Center For Human Genetics Tuebingen Variant Classification Criteria Version 2. Collection method: clinical testing. Allele origin: germline. Affected: yes. Observed: 10 variant alleles.
Comment: FMN2: BS2

Women's Health and Genetics/Laboratory Corporation of America, LabCorp
Classification: Likely benign. Last evaluated: 2024-12-10. Review status: criteria provided, single submitter. Criteria: LabCorp Variant Classification Summary - May 2015. Collection method: clinical testing. Allele origin: germline.
Comment: Variant summary: FMN2 c.4619C>T (p.Ser1540Leu) results in a non-conservative amino acid change located in the Formin Homology 2 domain (IPR015425) of the encoded protein sequence. Three of five in-silico tools predict a benign effect of the variant on protein function. The variant allele was found at a frequency of 0.0019 in 248858 control chromosomes, predominantly at a frequency of 0.0032 within the Non-Finnish European subpopulation in the gnomAD database. The observed variant frequency within Non-Finnish European control individuals in the gnomAD database exceeds the estimated maximal expected allele frequency for a pathogenic variant in FMN2 causing Intellectual Disability, Autosomal Recessive 47 phenotype. To our knowledge, no occurrence of c.4619C>T in individuals affected with Intellectual Disability, Autosomal Recessive 47 and no experimental evidence demonstrating its impact on protein function have been reported. ClinVar contains an entry for this variant (Variation ID: 435231). Based on the evidence outlined above, the variant was classified as likely benign.

Blueprint Genetics
Classification: Likely benign. Last evaluated: 2024-11-25. Review status: criteria provided, single submitter. Criteria: ACMG Guidelines, 2015. Collection method: clinical testing. Allele origin: germline.

Ambry Genetics
Classification: Likely benign for Inborn genetic diseases. Last evaluated: 2021-10-18. Review status: criteria provided, single submitter. Criteria: Ambry Variant Classification Scheme 2023. Collection method: clinical testing. Allele origin: germline.

Labcorp Genetics (formerly Invitae), Labcorp
Classification: Likely benign. Last evaluated: 2019-12-31. Review status: criteria provided, single submitter. Criteria: Invitae Variant Classification Sherloc (09022015). Collection method: clinical testing. Allele origin: germline.

Baylor Genetics
Classification: Uncertain significance for Intellectual developmental disorder, autosomal recessive 47. Last evaluated: 2018-04-11. Review status: criteria provided, single submitter. Criteria: ACMG Guidelines, 2015. Collection method: clinical testing. Allele origin: unknown. Affected: yes.
Comment: This variant was determined to be of uncertain significance according to ACMG Guidelines, 2015 [PMID:25741868].

Genetic Services Laboratory, University of Chicago
Classification: Uncertain significance. Last evaluated: 2016-07-07. Review status: criteria provided, single submitter. Criteria: ACMG Guidelines, 2015. Collection method: clinical testing. Allele origin: germline. Affected: no.

PreventionGenetics, part of Exact Sciences
Classification: Likely benign for FMN2-related condition. Last evaluated: 2023-01-21. Review status: no assertion criteria provided. Collection method: clinical testing. Allele origin: germline. Not counted in ClinVar's aggregate classification.
Comment: This variant is classified as likely benign based on ACMG/AMP sequence variant interpretation guidelines (Richards et al. 2015 PMID: 25741868, with internal and published modifications).

Department of Genetics, Rouen University Hospital, Normandy Center for Genomic and Personalized Medicine
Classification: Likely benign for Neurodevelopmental abnormality. Last evaluated: 2020-04-03. Review status: no assertion criteria provided. Collection method: clinical testing. Allele origin: paternal. Affected: yes. Not counted in ClinVar's aggregate classification.

NM_020066.5(FMN2):c.4619C>T (p.Ser1540Leu)

Gene: FMN2 (formin 2; plus strand). Cytogenetic location: 1q43.
Variant type: single nucleotide variant.
Coding change: c.4619C>T on transcript NM_020066.5 (MANE Select); coding-DNA position 4619, C replaced by T.
Protein change: p.Ser1540Leu; replaces serine 1540 with leucine.
Molecular consequence: missense variant.
Genome position (GRCh38, 1-based): chr1:240,333,921, C>T. VCF-style: chr1-240333921-C-T. GRCh37 (hg19) VCF-style: chr1-240497221-C-T.
Other names: c.4631C>T, p.Ser1544Leu (NM_001305424.2); c.2540C>T, p.Ser847Leu (NM_001348094.2); short protein forms S1540L, S1544L, S847L.
Identifiers: ClinVar variation 435231 (VCV000435231.40), dbSNP rs150801382, ClinGen allele CA1477572.
Genomic context (GRCh38, chr1:240,333,921, plus strand): 5'-TCACTGACTTTGGTCTTTCTGCCTAGGACAATAGCAGAAGCCTTTTGTCATATATTGTTT[C>T]GTATTATCTCCGAAATTTTGATGAGGTAAGACAATTTTTACATATAGTCATATTCCATTA-3'
Protein context (NP_064450.3, residues 1530-1550): NSRSLLSYIV[Ser1540Leu]YYLRNFDEDA